The following is an entry in ClinVar:

NM_004991.4(MECOM):c.807C>A (p.Asp269Glu)

Gene: MECOM (MDS1 and EVI1 complex locus; minus strand). Cytogenetic location: 3q26.2.
Variant type: single nucleotide variant.
Coding change: c.807C>A on transcript NM_004991.4 (MANE Select); coding-DNA position 807, C replaced by A.
Protein change: p.Asp269Glu; replaces aspartic acid 269 with glutamic acid.
Molecular consequence: missense variant.
Genome position (GRCh38, 1-based): chr3:169,127,867, G>T on the plus strand (C>A on the coding strand, the complement: MECOM is on the minus strand). VCF-style: chr3-169127867-G-T. GRCh37 (hg19) VCF-style: chr3-168845655-G-T.
Other names: c.435C>A, p.Asp145Glu (NM_001105077.4); c.243C>A, p.Asp81Glu (NM_001105078.4, NM_001163999.2, NM_001164000.2 and 9 more transcripts); c.807C>A, p.Asp269Glu (NM_001366466.2, NM_001366473.2); short protein forms D145E, D81E, D269E.
Identifiers: ClinVar variation 3871634 (VCV003871634.1).

ClinVar aggregate classification (germline): Uncertain significance (1 of 4 stars; one submission).

Conditions:
Inborn genetic diseases. Identifiers: MedGen C0950123, MeSH D030342.

Submission:

Ambry Genetics
Classification: Uncertain significance for Inborn genetic diseases. Last evaluated: 2024-12-21. Review status: criteria provided, single submitter. Criteria: Ambry Variant Classification Scheme 2023. Collection method: clinical testing. Allele origin: germline.
Comment: The p.D269E variant (also known as c.807C>A), located in coding exon 5 of the MECOM gene, results from a C to A substitution at nucleotide position 807. The aspartic acid at codon 269 is replaced by glutamic acid, an amino acid with highly similar properties. This amino acid position is conserved. In addition, this alteration is predicted to be tolerated by in silico analysis. Based on the available evidence, the clinical significance of this variant remains unclear.